The following is an entry in ClinVar:

NM_001291746.2(REL):c.1302C>T (p.Ala434=)

Gene: REL (REL proto-oncogene, NF-kB subunit; plus strand). Cytogenetic location: 2p16.1.
Variant type: single nucleotide variant.
Coding change: c.1302C>T on transcript NM_001291746.2 (MANE Select); coding-DNA position 1302, C replaced by T.
Protein change: p.Ala434=; no amino-acid change (alanine 434 retained).
Molecular consequence: synonymous variant.
Genome position (GRCh38, 1-based): chr2:60,922,073, C>T. VCF-style: chr2-60922073-C-T. GRCh37 (hg19) VCF-style: chr2-61149208-C-T.
Other names: c.1398C>T, p.Ala466= (NM_002908.4).
Identifiers: ClinVar variation 2082713 (VCV002082713.9), dbSNP rs370547359, ClinGen allele CA1672463.
Genomic context (GRCh38, chr2:60,922,073, plus strand): 5'-CCTGAGAATACCTGTTGGGAATGATTTAAATGCTTCTAATGCTTGCATTTACAACAATGC[C>T]GATGACATAGTCGGAATGGAAGCGTCATCCATGCCATCAGCAGATTTATATGGTATTTCT-3'
Protein context (NP_001278675.1, residues 424-444): NASNACIYNN[Ala434=]DDIVGMEASS

ClinVar aggregate classification (germline): Likely benign. Review status: criteria provided, multiple submitters, no conflicts (2 of 4 stars). 3 submissions from 3 submitters: Likely benign (3). Last evaluated 2026-06-01.

Allele frequency attached by ClinVar (database versions not stated): gnomAD exomes 0.00004; gnomAD 0.00006; TOPMed 0.00006; ExAC 0.00007; ESP Exome Variant Server 0.00008.
gnomAD v4.1: 70 of 1,613,976 alleles (0.0043%); highest among the groups gnomAD compares: Middle Eastern, 0.016%; no homozygotes.

Submissions (3):

CeGaT Center for Human Genetics Tuebingen
Classification: Likely benign. Last evaluated: 2026-06-01. Review status: criteria provided, single submitter. Criteria: CeGaT Center For Human Genetics Tuebingen Variant Classification Criteria Version 2. Collection method: clinical testing. Allele origin: germline. Affected: yes. Observed: 2 variant alleles.
Comment: REL: BP4, BP7

Labcorp Genetics (formerly Invitae), Labcorp
Classification: Likely benign. Last evaluated: 2025-11-15. Review status: criteria provided, single submitter. Criteria: Invitae Variant Classification Sherloc (09022015). Collection method: clinical testing. Allele origin: germline.

Blueprint Genetics
Classification: Likely benign. Last evaluated: 2024-09-13. Review status: criteria provided, single submitter. Criteria: ACMG Guidelines, 2015. Collection method: clinical testing. Allele origin: germline.